The following is an entry in ClinVar:

ClinVar aggregate classification (germline): Uncertain significance. Review status: criteria provided, multiple submitters, no conflicts (2 of 4 stars). 2 submissions from 2 submitters: Uncertain significance (2). Last evaluated 2023-10-24.

Conditions:
Neurofibromatosis, type 1 (NF1). Also called: NEUROFIBROMATOSIS, TYPE I, SOMATIC; VON RECKLINGHAUSEN DISEASE; Peripheral type neurofibromatosis; Neurofibromatosis, type I. Identifiers: Orphanet 636, MedGen C0027831, MONDO:0018975, OMIM 162200. Disease mechanism: loss of function.

Allele frequency attached by ClinVar (database versions not stated): gnomAD exomes below 0.00001.

Submissions (2):

Labcorp Genetics (formerly Invitae), Labcorp
Classification: Uncertain significance for Neurofibromatosis, type 1. Last evaluated: 2023-10-24. Review status: criteria provided, single submitter. Criteria: Invitae Variant Classification Sherloc (09022015). Collection method: clinical testing. Allele origin: germline.
Comment: This sequence change replaces alanine, which is neutral and non-polar, with threonine, which is neutral and polar, at codon 782 of the NF1 protein (p.Ala782Thr). This variant is present in population databases (no rsID available, gnomAD 0.003%). This variant has not been reported in the literature in individuals affected with NF1-related conditions. ClinVar contains an entry for this variant (Variation ID: 1470299). Advanced modeling of protein sequence and biophysical properties (such as structural, functional, and spatial information, amino acid conservation, physicochemical variation, residue mobility, and thermodynamic stability) performed at Invitae indicates that this missense variant is not expected to disrupt NF1 protein function with a negative predictive value of 95%. In summary, the available evidence is currently insufficient to determine the role of this variant in disease. Therefore, it has been classified as a Variant of Uncertain Significance.

GeneDx
Classification: Uncertain significance. Last evaluated: 2023-08-22. Review status: criteria provided, single submitter. Criteria: GeneDx Variant Classification Process June 2021. Collection method: clinical testing. Allele origin: germline. Affected: yes.
Comment: In silico analysis supports that this missense variant does not alter protein structure/function; Has not been previously published as pathogenic or benign to our knowledge; This variant is associated with the following publications: (PMID: 25486365)

NM_001042492.3(NF1):c.2344G>A (p.Ala782Thr)

Gene: NF1 (neurofibromin 1; plus strand). Cytogenetic location: 17q11.2.
Variant type: single nucleotide variant.
Coding change: c.2344G>A on transcript NM_001042492.3 (MANE Select); coding-DNA position 2344, G replaced by A.
Protein change: p.Ala782Thr; replaces alanine 782 with threonine.
Molecular consequence: missense variant.
Genome position (GRCh38, 1-based): chr17:31,227,541, G>A. VCF-style: chr17-31227541-G-A. GRCh37 (hg19) VCF-style: chr17-29554559-G-A.
Other names: c.2344G>A, p.Ala782Thr (NM_000267.4); short protein forms A782T.
Identifiers: ClinVar variation 1470299 (VCV001470299.8), dbSNP rs1352143970, ClinGen allele CA398983071.
Genomic context (GRCh38, chr17:31,227,541, plus strand): 5'-CTAGACTAAGTTGCTTTCAAGTGATAATTGCCTTCATTTTAGGCTTGGGAAGATACACAT[G>A]CAAAATGGGAACAAGCAACAAAGCTAATCCTTAACTATCCAAAAGCCAAAATGGAAGATG-3'
Protein context (NP_001035957.1, residues 772-792): GNTEAWEDTH[Ala782Thr]KWEQATKLIL